The following is an entry in ClinVar:

NM_004502.4(HOXB7):c.180C>T (p.Pro60=)

Gene: HOXB7 (homeobox B7; minus strand). Cytogenetic location: 17q21.32.
Variant type: single nucleotide variant.
Coding change: c.180C>T on transcript NM_004502.4 (MANE Select); coding-DNA position 180, C replaced by T.
Protein change: p.Pro60=; no amino-acid change (proline 60 retained).
Molecular consequence: synonymous variant.
Genome position (GRCh38, 1-based): chr17:48,610,739, G>A on the plus strand (C>T on the coding strand, the complement: HOXB7 is on the minus strand). VCF-style: chr17-48610739-G-A. GRCh37 (hg19) VCF-style: chr17-46688101-G-A.
Identifiers: ClinVar variation 2647883 (VCV002647883.24), dbSNP rs34513708, ClinGen allele CA8633371.

ClinVar aggregate classification (germline): Likely benign (1 of 4 stars; one submission).

Allele frequency attached by ClinVar (database versions not stated): 1000 Genomes Project 30x 0.00265; ESP Exome Variant Server 0.00290; gnomAD 0.00423; ExAC 0.00621; 1000 Genomes Project 0.00260.
gnomAD v4.1: 9,183 of 1,601,698 alleles (0.57%); highest among the groups gnomAD compares: Non-Finnish European, 0.69%; 29 homozygotes.

Submission:

CeGaT Center for Human Genetics Tuebingen
Classification: Likely benign. Last evaluated: 2023-05-01. Review status: criteria provided, single submitter. Criteria: CeGaT Center For Human Genetics Tuebingen Variant Classification Criteria Version 2. Collection method: clinical testing. Allele origin: germline. Affected: yes. Observed: 1 variant allele.
Comment: HOXB7: BP4, BP7, BS2